The following is an entry in ClinVar:

NM_001378964.1(CDON):c.*2573G>A

Gene: CDON (cell adhesion associated, oncogene regulated; minus strand). Cytogenetic location: 11q24.2.
Variant type: single nucleotide variant.
Coding change: c.*2573G>A on transcript NM_001378964.1 (MANE Select); 2573 bases downstream of the stop codon, G replaced by A.
Molecular consequence: 3 prime UTR variant.
Genome position (GRCh38, 1-based): chr11:125,958,369, C>T on the plus strand (G>A on the coding strand, the complement: CDON is on the minus strand). VCF-style: chr11-125958369-C-T. GRCh37 (hg19) VCF-style: chr11-125828264-C-T.
Other names: c.*2573G>A (NM_001243597.3, NM_016952.6).
Identifiers: ClinVar variation 303407 (VCV000303407.5), dbSNP rs115327518, ClinGen allele CA10638297.

ClinVar aggregate classification (germline): Benign (1 of 4 stars; one submission).

Conditions:
Holoprosencephaly 11 (HPE11). Identifiers: Orphanet 2162, MedGen C3280215, MONDO:0013642, OMIM 614226.

Allele frequency attached by ClinVar (database versions not stated): gnomAD 0.00151 and 0.00141; TOPMed 0.00164; 1000 Genomes Project 30x 0.00250; 1000 Genomes Project 0.00339.

Submission:

Illumina Laboratory Services, Illumina
Classification: Benign for Holoprosencephaly 11. Last evaluated: 2018-01-13. Review status: criteria provided, single submitter. Criteria: ICSL Variant Classification Criteria 13 December 2019. Collection method: clinical testing. Allele origin: germline.
Comment: This variant was observed in the ICSL laboratory as part of a predisposition screen in an ostensibly healthy population. It had not been previously curated by ICSL or reported in the Human Gene Mutation Database (HGMD: prior to June 1st, 2018), and was therefore a candidate for classification through an automated scoring system. Utilizing variant allele frequency, disease prevalence and penetrance estimates, and inheritance mode, an automated score was calculated to assess if this variant is too frequent to cause the disease. Based on the score and internal cut-off values, a variant classified as benign is not then subjected to further curation. The score for this variant resulted in a classification of benign for this disease.